The following is an entry in ClinVar:

NM_001145358.2(SIN3A):c.779C>G (p.Thr260Ser)

Gene: SIN3A (SIN3 transcription regulator family member A; minus strand). Cytogenetic location: 15q24.2.
Variant type: single nucleotide variant.
Coding change: c.779C>G on transcript NM_001145358.2 (MANE Select); coding-DNA position 779, C replaced by G.
Protein change: p.Thr260Ser; replaces threonine 260 with serine.
Molecular consequence: missense variant.
Genome position (GRCh38, 1-based): chr15:75,411,721, G>C on the plus strand (C>G on the coding strand, the complement: SIN3A is on the minus strand). VCF-style: chr15-75411721-G-C. GRCh37 (hg19) VCF-style: chr15-75704062-G-C.
Other names: c.779C>G, p.Thr260Ser (NM_015477.3, NM_001145357.2); short protein forms T260S.
Identifiers: ClinVar variation 3611246 (VCV003611246.2).
Genomic context (GRCh38, chr15:75,411,721, plus strand): 5'-ACCGGCGGAGAACGTGGGGATGCATACGGTGGAAGTGGGGGAGTCTGCTGACTGGCCGGA[G>C]TATGTGCTTGCAGTTGGGAGGGCTAGAAAGAAAAGAAATCTTTATTCTCTTCAGATGCAT-3'
Protein context (NP_001138830.1, residues 250-270): VSKPSQLQAH[Thr260Ser]PASQQTPPLP

ClinVar aggregate classification (germline): Uncertain significance (1 of 4 stars; one submission).

gnomAD v4.1: 1 of 1,606,022 alleles (0.000062%); highest among the groups gnomAD compares: South Asian, 0.0011%; no homozygotes.

Submission:

Labcorp Genetics (formerly Invitae), Labcorp
Classification: Uncertain significance. Last evaluated: 2024-09-27. Review status: criteria provided, single submitter. Criteria: Invitae Variant Classification Sherloc (09022015). Collection method: clinical testing. Allele origin: germline.
Comment: This sequence change replaces threonine, which is neutral and polar, with serine, which is neutral and polar, at codon 260 of the SIN3A protein (p.Thr260Ser). This variant is present in population databases (rs759268451, gnomAD 0.003%). This variant has not been reported in the literature in individuals affected with SIN3A-related conditions. An algorithm developed to predict the effect of missense changes on protein structure and function (PolyPhen-2) suggests that this variant is likely to be tolerated. In summary, the available evidence is currently insufficient to determine the role of this variant in disease. Therefore, it has been classified as a Variant of Uncertain Significance.